The following is an entry in ClinVar:

ClinVar aggregate classification (germline): Likely benign. Review status: criteria provided, multiple submitters, no conflicts (2 of 4 stars). 3 submissions from 3 submitters: Likely benign (3). Last evaluated 2026-01-18.

Conditions:
Pheochromocytoma/paraganglioma syndrome 4. Also called: SDHB-Related Hereditary Paraganglioma-Pheochromocytoma Syndrome (Paragangliomas 4); SDHB-Related Hereditary Paraganglioma-Pheochromocytoma Syndrome; CAROTID BODY TUMORS AND MULTIPLE EXTRAADRENAL PHEOCHROMOCYTOMAS; PARAGANGLIOMA, FAMILIAL MALIGNANT; PARAGANGLIOMAS, HEREDITARY EXTRAADRENAL; PHEOCHROMOCYTOMA, FAMILIAL EXTRAADRENAL. Identifiers: Orphanet 29072, MedGen C1861848, MONDO:0007273, OMIM 115310.
Pheochromocytoma. Also called: MAX-Related Hereditary Paraganglioma-Pheochromocytoma Syndrome. Identifiers: Orphanet 29072, MedGen C0031511, MONDO:0008233, OMIM 171300, HP:0002666.
Gastrointestinal stromal tumor. Also called: Gastrointestinal stromal tumor, somatic; Gastrointestinal stroma tumor. Identifiers: Orphanet 44890, MedGen C0238198, MeSH D046152, MONDO:0011719, OMIM 606764, HP:0100723.

Allele frequency attached by ClinVar (database versions not stated): gnomAD exomes below 0.00001 and 0.00001; TOPMed below 0.00001; ExAC 0.00002.
gnomAD v4.1: 4 of 1,598,024 alleles (0.00025%); highest among the groups gnomAD compares: South Asian, 0.0011%; no homozygotes.

Submissions (3):

Labcorp Genetics (formerly Invitae), Labcorp
Classification: Likely benign for Gastrointestinal stromal tumor; Pheochromocytoma/paraganglioma syndrome 4; Pheochromocytoma. Last evaluated: 2026-01-18. Review status: criteria provided, single submitter. Criteria: Invitae Variant Classification Sherloc (09022015). Collection method: clinical testing. Allele origin: germline.

Myriad Genetics, Inc.
Classification: Likely benign for Pheochromocytoma/paraganglioma syndrome 4. Last evaluated: 2025-03-13. Review status: criteria provided, single submitter. Criteria: Myriad Autosomal Dominant, Autosomal Recessive and X-Linked Classification Criteria (2023). Collection method: clinical testing. Allele origin: unknown.
Comment: This variant is considered likely benign. This variant is intronic and is not expected to impact mRNA splicing.

GeneDx
Classification: Likely benign. Last evaluated: 2019-09-27. Review status: criteria provided, single submitter. Criteria: GeneDx Variant Classification Process June 2021. Collection method: clinical testing. Allele origin: germline. Affected: yes.

NM_003000.3(SDHB):c.541-9C>T

Gene: SDHB (succinate dehydrogenase complex iron sulfur subunit B; minus strand). Cytogenetic location: 1p36.13.
Variant type: single nucleotide variant.
Coding change: c.541-9C>T on transcript NM_003000.3 (MANE Select); 9 bases into the intron before coding-DNA position 541, C replaced by T.
Molecular consequence: intron variant.
Genome position (GRCh38, 1-based): chr1:17,024,083, G>A on the plus strand (C>T on the coding strand, the complement: SDHB is on the minus strand). VCF-style: chr1-17024083-G-A. GRCh37 (hg19) VCF-style: chr1-17350578-G-A.
Identifiers: ClinVar variation 681580 (VCV000681580.10), dbSNP rs755367242, ClinGen allele CA089664.